The following is an entry in ClinVar:

ClinVar aggregate classification (germline): Uncertain significance (1 of 4 stars; one submission).

Conditions:
Schuurs-Hoeijmakers syndrome. Also called: PACS1-Related Neurodevelopmental Disorder. Identifiers: Orphanet 329224, MedGen C3554343, MONDO:0014006, OMIM 615009.

Submission:

Labcorp Genetics (formerly Invitae), Labcorp
Classification: Uncertain significance for Schuurs-Hoeijmakers syndrome. Last evaluated: 2023-08-10. Review status: criteria provided, single submitter. Criteria: Invitae Variant Classification Sherloc (09022015). Collection method: clinical testing. Allele origin: germline.
Comment: In summary, the available evidence is currently insufficient to determine the role of this variant in disease. Therefore, it has been classified as a Variant of Uncertain Significance. Experimental studies and prediction algorithms are not available or were not evaluated, and the functional significance of this variant is currently unknown. This variant has not been reported in the literature in individuals affected with PACS1-related conditions. This variant is not present in population databases (gnomAD no frequency). This sequence change disrupts the translational stop signal of the PACS1 mRNA. It is expected to extend the length of the PACS1 protein by 96 additional amino acid residues.

NM_018026.4(PACS1):c.2892A>C (p.Ter964Cys)

Gene: PACS1 (phosphofurin acidic cluster sorting protein 1; plus strand). Cytogenetic location: 11q13.2.
Variant type: single nucleotide variant.
Coding change: c.2892A>C on transcript NM_018026.4 (MANE Select); coding-DNA position 2892, A replaced by C.
Protein change: p.Ter964Cys.
Molecular consequence: stop lost.
Genome position (GRCh38, 1-based): chr11:66,243,280, A>C. VCF-style: chr11-66243280-A-C. GRCh37 (hg19) VCF-style: chr11-66010751-A-C.
Identifiers: ClinVar variation 2822612 (VCV002822612.3), dbSNP rs2495612485, ClinGen allele CA381385174.